The following is an entry in ClinVar:

ClinVar aggregate classification (germline): Uncertain significance. Review status: criteria provided, multiple submitters, no conflicts (2 of 4 stars). 2 submissions from 2 submitters: Uncertain significance (2). Last evaluated 2025-07-22.

Conditions:
Inborn genetic diseases. Identifiers: MedGen C0950123, MeSH D030342.

Allele frequency attached by ClinVar (database versions not stated): TOPMed below 0.00001.

Submissions (2):

Ambry Genetics
Classification: Uncertain significance for Inborn genetic diseases. Last evaluated: 2025-07-22. Review status: criteria provided, single submitter. Criteria: Ambry Variant Classification Scheme 2023. Collection method: clinical testing. Allele origin: germline.
Comment: The p.R1488I variant (also known as c.4463G>T), located in coding exon 1 of the SAMD9 gene, results from a G to T substitution at nucleotide position 4463. The arginine at codon 1488 is replaced by isoleucine, an amino acid with similar properties. This amino acid position is conserved. In addition, this alteration is predicted to be tolerated by in silico analysis. Based on the available evidence, the clinical significance of this variant remains unclear.

GeneDx
Classification: Uncertain significance. Last evaluated: 2022-12-13. Review status: criteria provided, single submitter. Criteria: GeneDx Variant Classification Process June 2021. Collection method: clinical testing. Allele origin: germline. Affected: yes.
Comment: Not observed at significant frequency in large population cohorts (gnomAD); In silico analysis supports that this missense variant does not alter protein structure/function; Has not been previously published as pathogenic or benign to our knowledge

NM_017654.4(SAMD9):c.4463G>T (p.Arg1488Ile)

Gene: SAMD9 (sterile alpha motif domain containing 9; minus strand). Cytogenetic location: 7q21.2.
Variant type: single nucleotide variant.
Coding change: c.4463G>T on transcript NM_017654.4 (MANE Select); coding-DNA position 4463, G replaced by T.
Protein change: p.Arg1488Ile; replaces arginine 1488 with isoleucine.
Molecular consequence: missense variant.
Genome position (GRCh38, 1-based): chr7:93,101,635, C>A on the plus strand (G>T on the coding strand, the complement: SAMD9 is on the minus strand). VCF-style: chr7-93101635-C-A. GRCh37 (hg19) VCF-style: chr7-92730948-C-A.
Other names: c.4463G>T, p.Arg1488Ile (NM_001193307.2); short protein forms R1488I.
Identifiers: ClinVar variation 2505963 (VCV002505963.2), dbSNP rs1178024491, ClinGen allele CA368178669.